The following is an entry in ClinVar:

ClinVar aggregate classification (germline): Uncertain significance. Review status: criteria provided, multiple submitters, no conflicts (2 of 4 stars). 2 submissions from 2 submitters: Uncertain significance (2). Last evaluated 2025-12-25.

Allele frequency attached by ClinVar (database versions not stated): gnomAD 0.00001.

Submissions (2):

Labcorp Genetics (formerly Invitae), Labcorp
Classification: Uncertain significance. Last evaluated: 2025-12-25. Review status: criteria provided, single submitter. Criteria: Invitae Variant Classification Sherloc (09022015). Collection method: clinical testing. Allele origin: germline.
Comment: This sequence change replaces glutamic acid, which is acidic and polar, with glutamine, which is neutral and polar, at codon 293 of the GNAT1 protein (p.Glu293Gln). This variant is present in population databases (rs759489972, gnomAD 0.004%). This variant has not been reported in the literature in individuals affected with GNAT1-related conditions. ClinVar contains an entry for this variant (Variation ID: 2067933). Invitae Evidence Modeling of protein sequence and biophysical properties (such as structural, functional, and spatial information, amino acid conservation, physicochemical variation, residue mobility, and thermodynamic stability) indicates that this missense variant is not expected to disrupt GNAT1 protein function with a negative predictive value of 80%. In summary, the available evidence is currently insufficient to determine the role of this variant in disease. Therefore, it has been classified as a Variant of Uncertain Significance.

Blueprint Genetics
Classification: Uncertain significance. Last evaluated: 2024-06-14. Review status: criteria provided, single submitter. Criteria: ACMG Guidelines, 2015. Collection method: clinical testing. Allele origin: germline.

NM_144499.3(GNAT1):c.877G>C (p.Glu293Gln)

Gene: GNAT1 (G protein subunit alpha transducin 1; plus strand). Cytogenetic location: 3p21.31.
Variant type: single nucleotide variant.
Coding change: c.877G>C on transcript NM_144499.3 (MANE Select); coding-DNA position 877, G replaced by C.
Protein change: p.Glu293Gln; replaces glutamic acid 293 with glutamine.
Molecular consequence: missense variant.
Genome position (GRCh38, 1-based): chr3:50,194,779, G>C. VCF-style: chr3-50194779-G-C. GRCh37 (hg19) VCF-style: chr3-50232212-G-C.
Other names: c.877G>C, p.Glu293Gln (NM_000172.4); short protein forms E293Q.
Identifiers: ClinVar variation 2067933 (VCV002067933.5), dbSNP rs759489972, ClinGen allele CA2412757.